The following is an entry in ClinVar:

NM_005609.4(PYGM):c.2096A>C (p.Glu699Ala)

Gene: PYGM (glycogen phosphorylase, muscle associated; minus strand). Cytogenetic location: 11q13.1.
Variant type: single nucleotide variant.
Coding change: c.2096A>C on transcript NM_005609.4 (MANE Select); coding-DNA position 2096, A replaced by C.
Protein change: p.Glu699Ala; replaces glutamic acid 699 with alanine.
Molecular consequence: missense variant.
Genome position (GRCh38, 1-based): chr11:64,750,457, T>G on the plus strand (A>C on the coding strand, the complement: PYGM is on the minus strand). VCF-style: chr11-64750457-T-G. GRCh37 (hg19) VCF-style: chr11-64517929-T-G.
Other names: c.1832A>C, p.Glu611Ala (NM_001164716.1); short protein forms E699A, E611A.
Identifiers: ClinVar variation 4708155 (VCV004708155.1).

ClinVar aggregate classification (germline): Uncertain significance (1 of 4 stars; one submission).

Conditions:
Glycogen storage disease, type V (GSD5). Also called: MCARDLE DISEASE; MUSCLE GLYCOGEN PHOSPHORYLASE DEFICIENCY; MYOPHOSPHORYLASE DEFICIENCY; PYGM DEFICIENCY; McArdle type glycogen storage disease. Identifiers: Orphanet 368, MedGen C0017924, MONDO:0009293, OMIM 232600.

gnomAD v4.1: 4 of 1,614,070 alleles (0.00025%); highest among the groups gnomAD compares: African/African-American, 0.004%; no homozygotes.

Submission:

Labcorp Genetics (formerly Invitae), Labcorp
Classification: Uncertain significance for Glycogen storage disease, type V. Last evaluated: 2025-03-10. Review status: criteria provided, single submitter. Criteria: Invitae Variant Classification Sherloc (09022015). Collection method: clinical testing. Allele origin: germline.
Comment: This sequence change replaces glutamic acid, which is acidic and polar, with alanine, which is neutral and non-polar, at codon 699 of the PYGM protein (p.Glu699Ala). This variant is present in population databases (rs768505332, gnomAD 0.01%). This variant has not been reported in the literature in individuals affected with PYGM-related conditions. Invitae Evidence Modeling of protein sequence and biophysical properties (such as structural, functional, and spatial information, amino acid conservation, physicochemical variation, residue mobility, and thermodynamic stability) indicates that this missense variant is expected to disrupt PYGM protein function with a positive predictive value of 95%. In summary, the available evidence is currently insufficient to determine the role of this variant in disease. Therefore, it has been classified as a Variant of Uncertain Significance.